The following is an entry in ClinVar:

ClinVar aggregate classification (germline): Uncertain significance. Review status: criteria provided, multiple submitters, no conflicts (2 of 4 stars). 3 submissions from 3 submitters: Uncertain significance (3). Last evaluated 2026-03-04.

Conditions:
Complex cortical dysplasia with other brain malformations 7. Identifiers: Orphanet 300573, MedGen C3552236, MONDO:0012399, OMIM 610031.

Submissions (3):

GeneDx
Classification: Uncertain significance. Last evaluated: 2026-03-04. Review status: criteria provided, single submitter. Criteria: GeneDx Variant Classification Process June 2021. Collection method: clinical testing. Allele origin: germline.
Comment: Not observed at significant frequency in large population cohorts (gnomAD); Missense variants in this gene are a common cause of disease and they are underrepresented in the general population; In silico analysis suggests that this missense variant does not alter protein structure/function; Has not been previously published as pathogenic or benign to our knowledge; This variant is associated with the following publications: (PMID: 24860126)

Labcorp Genetics (formerly Invitae), Labcorp
Classification: Uncertain significance. Last evaluated: 2023-08-11. Review status: criteria provided, single submitter. Criteria: Invitae Variant Classification Sherloc (09022015). Collection method: clinical testing. Allele origin: germline.
Comment: This sequence change replaces valine, which is neutral and non-polar, with isoleucine, which is neutral and non-polar, at codon 60 of the TUBB2B protein (p.Val60Ile). This variant is not present in population databases (gnomAD no frequency). This variant has not been reported in the literature in individuals affected with TUBB2B-related conditions. ClinVar contains an entry for this variant (Variation ID: 1526179). Advanced modeling of protein sequence and biophysical properties (such as structural, functional, and spatial information, amino acid conservation, physicochemical variation, residue mobility, and thermodynamic stability) performed at Invitae indicates that this missense variant is not expected to disrupt TUBB2B protein function. In summary, the available evidence is currently insufficient to determine the role of this variant in disease. Therefore, it has been classified as a Variant of Uncertain Significance.

3billion
Classification: Uncertain significance for Complex cortical dysplasia with other brain malformations 7. Last evaluated: 2022-03-22. Review status: criteria provided, single submitter. Criteria: ACMG Guidelines, 2015. Collection method: clinical testing. Allele origin: germline. Affected: yes. Observed: 1 heterozygote.
Comment: The variant is not observed in the gnomAD v2.1.1 dataset. A missense variant is a common mechanism. Therefore, this variant is classified as uncertain significance according to the recommendation of ACMG/AMP guideline.

NM_178012.5(TUBB2B):c.178G>A (p.Val60Ile)

Gene: TUBB2B (tubulin beta 2B class IIb; minus strand). Cytogenetic location: 6p25.2.
Variant type: single nucleotide variant.
Coding change: c.178G>A on transcript NM_178012.5 (MANE Select); coding-DNA position 178, G replaced by A.
Protein change: p.Val60Ile; replaces valine 60 with isoleucine.
Molecular consequence: missense variant.
Genome position (GRCh38, 1-based): chr6:3,226,258, C>T on the plus strand (G>A on the coding strand, the complement: TUBB2B is on the minus strand). VCF-style: chr6-3226258-C-T. GRCh37 (hg19) VCF-style: chr6-3226492-C-T.
Other names: c.178G>A (NM_178012.4); short protein forms V60I.
Identifiers: ClinVar variation 1526179 (VCV001526179.5), dbSNP rs2113819578, ClinGen allele CA362589755.